The following is an entry in ClinVar:

NM_001166108.2(PALLD):c.1933G>C (p.Glu645Gln)

Gene: PALLD (palladin, cytoskeletal associated protein; plus strand). Cytogenetic location: 4q32.3.
Variant type: single nucleotide variant.
Coding change: c.1933G>C on transcript NM_001166108.2 (MANE Select); coding-DNA position 1933, G replaced by C.
Protein change: p.Glu645Gln; replaces glutamic acid 645 with glutamine.
Molecular consequence: missense variant.
Genome position (GRCh38, 1-based): chr4:168,711,892, G>C. VCF-style: chr4-168711892-G-C. GRCh37 (hg19) VCF-style: chr4-169633043-G-C.
Other names: c.787G>C, p.Glu263Gln (NM_001166109.2); c.1933G>C, p.Glu645Gln (NM_016081.4); short protein forms E263Q, E645Q.
Identifiers: ClinVar variation 2497016 (VCV002497016.2), dbSNP rs772888328, ClinGen allele CA358798817.

ClinVar aggregate classification (germline): Uncertain significance (1 of 4 stars; one submission).

Submission:

Ambry Genetics
Classification: Uncertain significance. Last evaluated: 2023-02-15. Review status: criteria provided, single submitter. Criteria: Ambry Variant Classification Scheme 2023. Collection method: clinical testing. Allele origin: germline.
Comment: The p.E645Q variant (also known as c.1933G>C), located in coding exon 9 of the PALLD gene, results from a G to C substitution at nucleotide position 1933. The glutamic acid at codon 645 is replaced by glutamine, an amino acid with highly similar properties. This amino acid position is conserved. In addition, this alteration is predicted to be tolerated by in silico analysis. Since supporting evidence is limited at this time, the clinical significance of this alteration remains unclear.